The following is an entry in ClinVar:

ClinVar aggregate classification (germline): Uncertain significance. Review status: criteria provided, multiple submitters, no conflicts (2 of 4 stars). 2 submissions from 2 submitters: Uncertain significance (2). Last evaluated 2025-12-22.

Conditions:
Inborn genetic diseases. Identifiers: MedGen C0950123, MeSH D030342.

Allele frequency attached by ClinVar (database versions not stated): gnomAD exomes below 0.00001; TOPMed below 0.00001; gnomAD 0.00001.

Submissions (2):

Ambry Genetics
Classification: Uncertain significance for Inborn genetic diseases. Last evaluated: 2025-12-22. Review status: criteria provided, single submitter. Criteria: Ambry Variant Classification Scheme 2023. Collection method: clinical testing. Allele origin: germline.

Labcorp Genetics (formerly Invitae), Labcorp
Classification: Uncertain significance. Last evaluated: 2023-10-14. Review status: criteria provided, single submitter. Criteria: Invitae Variant Classification Sherloc (09022015). Collection method: clinical testing. Allele origin: germline.
Comment: This sequence change replaces proline, which is neutral and non-polar, with leucine, which is neutral and non-polar, at codon 569 of the KMT2A protein (p.Pro569Leu). This variant is not present in population databases (gnomAD no frequency). This variant has not been reported in the literature in individuals affected with KMT2A-related conditions. ClinVar contains an entry for this variant (Variation ID: 1514897). Advanced modeling of protein sequence and biophysical properties (such as structural, functional, and spatial information, amino acid conservation, physicochemical variation, residue mobility, and thermodynamic stability) performed at Invitae indicates that this missense variant is expected to disrupt KMT2A protein function. In summary, the available evidence is currently insufficient to determine the role of this variant in disease. Therefore, it has been classified as a Variant of Uncertain Significance.

NM_001197104.2(KMT2A):c.1706C>T (p.Pro569Leu)

Gene: KMT2A (lysine methyltransferase 2A; plus strand). Cytogenetic location: 11q23.3.
Variant type: single nucleotide variant.
Coding change: c.1706C>T on transcript NM_001197104.2 (MANE Select); coding-DNA position 1706, C replaced by T.
Protein change: p.Pro569Leu; replaces proline 569 with leucine.
Molecular consequence: missense variant.
Genome position (GRCh38, 1-based): chr11:118,472,865, C>T. VCF-style: chr11-118472865-C-T. GRCh37 (hg19) VCF-style: chr11-118343580-C-T.
Other names: c.1706C>T, p.Pro569Leu (NM_005933.4); c.1706C>T (NM_001197104.1); short protein forms P569L.
Identifiers: ClinVar variation 1514897 (VCV001514897.9), dbSNP rs1368855534, ClinGen allele CA382810749.